The following is an entry in ClinVar:

ClinVar aggregate classification (germline): Uncertain significance. Review status: criteria provided, multiple submitters, no conflicts (2 of 4 stars). 2 submissions from 2 submitters: Uncertain significance (2). Last evaluated 2024-02-25.

Conditions:
Progressive familial heart block type IB (PFHB1B). Identifiers: Orphanet 871, MedGen C1970298, MONDO:0011474, OMIM 604559.

gnomAD v4.1: 2 of 1,613,334 alleles (0.00012%); highest among the groups gnomAD compares: Non-Finnish European, 0.00017%; no homozygotes.

Submissions (2):

Labcorp Genetics (formerly Invitae), Labcorp
Classification: Uncertain significance for Progressive familial heart block type IB. Last evaluated: 2024-02-25. Review status: criteria provided, single submitter. Criteria: Invitae Variant Classification Sherloc (09022015). Collection method: clinical testing. Allele origin: germline.
Comment: This sequence change replaces glycine, which is neutral and non-polar, with alanine, which is neutral and non-polar, at codon 126 of the TRPM4 protein (p.Gly126Ala). This variant is not present in population databases (gnomAD no frequency). This variant has not been reported in the literature in individuals affected with TRPM4-related conditions. ClinVar contains an entry for this variant (Variation ID: 1320818). An algorithm developed to predict the effect of missense changes on protein structure and function (PolyPhen-2) suggests that this variant is likely to be tolerated. In summary, the available evidence is currently insufficient to determine the role of this variant in disease. Therefore, it has been classified as a Variant of Uncertain Significance.

GeneDx
Classification: Uncertain significance. Last evaluated: 2019-10-02. Review status: criteria provided, single submitter. Criteria: GeneDx Variant Classification Process June 2021. Collection method: clinical testing. Allele origin: germline. Affected: yes.
Comment: Has not been previously published as pathogenic or benign to our knowledge; Not observed in large population cohorts (Lek et al., 2016); In silico analysis, which includes protein predictors and evolutionary conservation, supports that this variant does not alter protein structure/function

NM_017636.4(TRPM4):c.377G>C (p.Gly126Ala)

Gene: TRPM4 (transient receptor potential cation channel subfamily M member 4; plus strand). Cytogenetic location: 19q13.33.
Variant type: single nucleotide variant.
Coding change: c.377G>C on transcript NM_017636.4 (MANE Select); coding-DNA position 377, G replaced by C.
Protein change: p.Gly126Ala; replaces glycine 126 with alanine.
Molecular consequence: missense variant. On other transcripts: intron variant (4).
Genome position (GRCh38, 1-based): chr19:49,168,026, G>C. VCF-style: chr19-49168026-G-C. GRCh37 (hg19) VCF-style: chr19-49671283-G-C.
Other names: c.377G>C, p.Gly126Ala (NM_001195227.2); c.-1105-234G>C (NM_001321282.2); c.268-527G>C (NM_001321281.2); c.-74-234G>C (NM_001321283.2); c.-237-527G>C (NM_001321285.2); short protein forms G126A.
Identifiers: ClinVar variation 1320818 (VCV001320818.4), dbSNP rs1967293399, ClinGen allele CA406790375.